The following is an entry in ClinVar:

ClinVar aggregate classification (germline): Uncertain significance (1 of 4 stars; one submission).

Conditions:
Gastrointestinal stromal tumor. Also called: Gastrointestinal stromal tumor, somatic; Gastrointestinal stroma tumor. Identifiers: Orphanet 44890, MedGen C0238198, MeSH D046152, MONDO:0011719, OMIM 606764, HP:0100723.

Submission:

Labcorp Genetics (formerly Invitae), Labcorp
Classification: Uncertain significance for Gastrointestinal stromal tumor. Last evaluated: 2024-02-13. Review status: criteria provided, single submitter. Criteria: Invitae Variant Classification Sherloc (09022015). Collection method: clinical testing. Allele origin: germline.
Comment: This sequence change creates a premature translational stop signal (p.Asp1064Glufs*9) in the PDGFRA gene. While this is not anticipated to result in nonsense mediated decay, it is expected to disrupt the last 26 amino acid(s) of the PDGFRA protein. This variant is not present in population databases (gnomAD no frequency). This variant has not been reported in the literature in individuals affected with PDGFRA-related conditions. Experimental studies and prediction algorithms are not available or were not evaluated, and the functional significance of this variant is currently unknown. In summary, the available evidence is currently insufficient to determine the role of this variant in disease. Therefore, it has been classified as a Variant of Uncertain Significance.

NM_006206.6(PDGFRA):c.3192del (p.Asp1064fs)

Gene: PDGFRA (platelet derived growth factor receptor alpha; plus strand). Cytogenetic location: 4q12.
Variant type: Deletion.
Coding change: c.3192del on transcript NM_006206.6 (MANE Select); coding-DNA position 3192, one base deleted (C; older notation c.3192delC).
Protein change: p.Asp1064fs; shifts the reading frame from aspartic acid 1064.
Molecular consequence: frameshift variant.
Genome position (GRCh38, 1-based): chr4:54,295,194, C deleted. VCF-style (leftmost placement, unchanged base first): chr4-54295193-AC-A. GRCh37 (hg19) VCF-style: chr4-55161360-AC-A.
Other names: c.3267del, p.Asp1089fs (NM_001347828.2); c.3192del, p.Asp1064fs (NM_001347829.2); c.3231del, p.Asp1077fs (NM_001347830.2); short protein forms D1077fs, D1089fs, D1064fs.
Identifiers: ClinVar variation 3701869 (VCV003701869.2).